The following is an entry in ClinVar:

NM_002968.3(SALL1):c.387C>T (p.Ala129=)

Gene: SALL1 (spalt like transcription factor 1; minus strand). Cytogenetic location: 16q12.1.
Variant type: single nucleotide variant.
Coding change: c.387C>T on transcript NM_002968.3 (MANE Select); coding-DNA position 387, C replaced by T.
Protein change: p.Ala129=; no amino-acid change (alanine 129 retained).
Molecular consequence: synonymous variant.
Genome position (GRCh38, 1-based): chr16:51,141,835, G>A on the plus strand (C>T on the coding strand, the complement: SALL1 is on the minus strand). VCF-style: chr16-51141835-G-A. GRCh37 (hg19) VCF-style: chr16-51175746-G-A.
Other names: c.96C>T, p.Ala32= (NM_001127892.2).
Identifiers: ClinVar variation 516605 (VCV000516605.35), dbSNP rs147647889, ClinGen allele CA8053502.
Genomic context (GRCh38, chr16:51,141,835, plus strand): 5'-TGGGGCGGTACTGCTGTGGCTGCCGCTGGAAGTGCCGCTGCCGCTTTTGTTAGCAACCGG[G>A]GCCTCCACCTCCATGGACTCTTCCCTGTCAAGTCCGTTGTGTTCTGAAAGGTCGCTGCAG-3'
Protein context (NP_002959.2, residues 119-139): LDREESMEVE[Ala129=]PVANKSGSGT

ClinVar aggregate classification (germline): Likely benign. Review status: criteria provided, multiple submitters, no conflicts (2 of 4 stars). 5 submissions from 5 submitters: Likely benign (5). Last evaluated 2026-09-01.

Conditions:
Townes syndrome (TBS). Also called: Townes-Brocks syndrome. Identifiers: Orphanet 857, MedGen C0265246, MeSH C536974, MONDO:0007142.
Townes-Brocks syndrome 1 (TBS1). Also called: SALL1-Related Townes-Brocks Syndrome; DEAFNESS, SENSORINEURAL, WITH IMPERFORATE ANUS AND THUMB ANOMALIES; REAR SYNDROME; RENAL-EAR-ANAL-RADIAL SYNDROME. Identifiers: Orphanet 857, MedGen C4551481, MONDO:0054581, OMIM 107480.

Allele frequency attached by ClinVar (database versions not stated): gnomAD 0.00026 and 0.00027; gnomAD exomes 0.00029 and 0.00030; ExAC 0.00030; TOPMed 0.00019; ESP Exome Variant Server 0.00046.
gnomAD v4.1: 463 of 1,613,724 alleles (0.029%); highest among the groups gnomAD compares: Non-Finnish European, 0.037%; 1 homozygote.

Submissions (5):

CeGaT Center for Human Genetics Tuebingen
Classification: Likely benign. Last evaluated: 2026-09-01. Review status: criteria provided, single submitter. Criteria: CeGaT Center For Human Genetics Tuebingen Variant Classification Criteria Version 2. Collection method: clinical testing. Allele origin: germline. Affected: yes. Observed: 5 variant alleles.
Comment: SALL1: BP4, BS2

Labcorp Genetics (formerly Invitae), Labcorp
Classification: Likely benign for Townes syndrome. Last evaluated: 2025-10-10. Review status: criteria provided, single submitter. Criteria: Invitae Variant Classification Sherloc (09022015). Collection method: clinical testing. Allele origin: germline.

Blueprint Genetics
Classification: Likely benign. Last evaluated: 2024-08-08. Review status: criteria provided, single submitter. Criteria: ACMG Guidelines, 2015. Collection method: clinical testing. Allele origin: germline.

Fulgent Genetics
Classification: Likely benign for Townes-Brocks syndrome 1. Last evaluated: 2021-07-29. Review status: criteria provided, single submitter. Criteria: ACMG Guidelines, 2015. Collection method: clinical testing. Allele origin: unknown.

GeneDx
Classification: Likely benign. Last evaluated: 2017-06-12. Review status: criteria provided, single submitter. Criteria: GeneDx Variant Classification (06012015). Collection method: clinical testing. Allele origin: germline. Affected: yes.
Comment: This variant is considered likely benign or benign based on one or more of the following criteria: it is a conservative change, it occurs at a poorly conserved position in the protein, it is predicted to be benign by multiple in silico algorithms, and/or has population frequency not consistent with disease.